The following is an entry in ClinVar:

ClinVar aggregate classification (germline): Uncertain significance. Review status: criteria provided, multiple submitters, no conflicts (2 of 4 stars). 3 submissions from 3 submitters: Uncertain significance (3). Last evaluated 2026-01-19.

Conditions:
Cardiovascular phenotype. Identifiers: MedGen CN230736.

Allele frequency attached by ClinVar (database versions not stated): ExAC 0.00006; gnomAD 0.00023; TOPMed 0.00023; 1000 Genomes Project 0.00040; 1000 Genomes Project 30x 0.00047.
gnomAD v4.1: 56 of 1,614,138 alleles (0.0035%); highest among the groups gnomAD compares: African/African-American, 0.065%; no homozygotes.

Submissions (3):

Labcorp Genetics (formerly Invitae), Labcorp
Classification: Uncertain significance. Last evaluated: 2026-01-19. Review status: criteria provided, single submitter. Criteria: Invitae Variant Classification Sherloc (09022015). Collection method: clinical testing. Allele origin: germline.
Comment: This sequence change replaces glycine, which is neutral and non-polar, with arginine, which is basic and polar, at codon 480 of the ALPK3 protein (p.Gly480Arg). This variant is present in population databases (rs573106150, gnomAD 0.08%). This variant has not been reported in the literature in individuals affected with ALPK3-related conditions. ClinVar contains an entry for this variant (Variation ID: 1338886). An algorithm developed to predict the effect of missense changes on protein structure and function (PolyPhen-2) suggests that this variant is likely to be disruptive. In summary, the available evidence is currently insufficient to determine the role of this variant in disease. Therefore, it has been classified as a Variant of Uncertain Significance.

Ambry Genetics
Classification: Uncertain significance for Cardiovascular phenotype. Last evaluated: 2024-05-08. Review status: criteria provided, single submitter. Criteria: Ambry Variant Classification Scheme 2023. Collection method: clinical testing. Allele origin: germline.
Comment: The p.G480R variant (also known as c.1438G>A), located in coding exon 5 of the ALPK3 gene, results from a G to A substitution at nucleotide position 1438. The glycine at codon 480 is replaced by arginine, an amino acid with dissimilar properties. This amino acid position is well conserved in available vertebrate species. In addition, this alteration is predicted to be tolerated by in silico analysis. Since supporting evidence is limited at this time, the clinical significance of this alteration remains unclear.

GeneDx
Classification: Uncertain significance. Last evaluated: 2023-10-17. Review status: criteria provided, single submitter. Criteria: GeneDx Variant Classification Process June 2021. Collection method: clinical testing. Allele origin: germline. Affected: yes.
Comment: Has not been previously published as pathogenic or benign to our knowledge; In silico analysis supports that this missense variant has a deleterious effect on protein structure/function

NM_020778.5(ALPK3):c.832G>A (p.Gly278Arg)

Gene: ALPK3 (alpha kinase 3; plus strand). Cytogenetic location: 15q25.3.
Variant type: single nucleotide variant.
Coding change: c.832G>A on transcript NM_020778.5 (MANE Select); coding-DNA position 832, G replaced by A.
Protein change: p.Gly278Arg; replaces glycine 278 with arginine.
Molecular consequence: missense variant.
Genome position (GRCh38, 1-based): chr15:84,840,111, G>A. VCF-style: chr15-84840111-G-A. GRCh37 (hg19) VCF-style: chr15-85383342-G-A.
Other names: short protein forms G278R.
Identifiers: ClinVar variation 1338886 (VCV001338886.11), dbSNP rs573106150, ClinGen allele CA7709080.